The following is an entry in ClinVar:

NM_016239.4(MYO15A):c.5306_5307del (p.Thr1769fs)

Gene: MYO15A (myosin XVA; plus strand). Cytogenetic location: 17p11.2.
Variant type: Deletion.
Coding change: c.5306_5307del on transcript NM_016239.4 (MANE Select); coding-DNA positions 5306 to 5307, 2 bases deleted (CT; older notation c.5306_5307delCT).
Protein change: p.Thr1769fs; shifts the reading frame from threonine 1769.
Molecular consequence: frameshift variant.
Genome position (GRCh38, 1-based): chr17:18,140,611-18,140,612, CT deleted. VCF-style (leftmost placement, unchanged base first): chr17-18140610-ACT-A. GRCh37 (hg19) VCF-style: chr17-18043924-ACT-A.
Other names: short protein forms T1769fs.
Identifiers: ClinVar variation 3601355 (VCV003601355.1).

ClinVar aggregate classification (germline): Pathogenic (1 of 4 stars; one submission).

Conditions:
Autosomal recessive nonsyndromic hearing loss 3. Also called: NEUROSENSORY NONSYNDROMIC RECESSIVE DEAFNESS 3. Identifiers: Orphanet 90636, MedGen C1838263, MONDO:0010860, OMIM 600316.

Submission:

Institute of Rare Diseases, West China Hospital, Sichuan University
Classification: Pathogenic for Autosomal recessive nonsyndromic hearing loss 3. Last evaluated: 2025-01-09. Review status: criteria provided, single submitter. Criteria: ClinGen HL ACMG Specifications v1. Collection method: research. Allele origin: germline. Affected: yes.
Comment: PVS1;PM3;PM2_Supporting